The following is an entry in ClinVar:

NM_000103.4(CYP19A1):c.80del (p.Pro27fs)

Genes: CYP19A1 (cytochrome P450 family 19 subfamily A member 1; minus strand), PIRC66 (piwi-interacting RNA cluster 66; plus strand), MIR4713HG (MIR4713 host gene; plus strand). Cytogenetic location: 15q21.2.
Variant type: Deletion.
Coding change: c.80del on transcript NM_000103.4 (MANE Select); coding-DNA position 80, one base deleted (C; older notation c.80delC).
Protein change: p.Pro27fs; shifts the reading frame from proline 27.
Molecular consequence: frameshift variant.
Genome position (GRCh38, 1-based): chr15:51,242,833, G deleted on the plus strand (C on the coding strand, the reverse complement: CYP19A1 is on the minus strand); the first of 2 consecutive G bases (chr15:51,242,833-51,242,834); deleting either gives the same sequence. VCF-style (leftmost placement, unchanged base first): chr15-51242832-TG-T. GRCh37 (hg19) VCF-style: chr15-51535029-TG-T.
Other names: c.80del, p.Pro27fs (NM_001347248.1, NM_001347249.2, NM_001347250.2 and 7 more transcripts); short protein forms P27fs.
Identifiers: ClinVar variation 4816279 (VCV004816279.1).
Genomic context (GRCh38, chr15:51,242,832, plus strand): 5'-TATTGAGGATGTGCCCTCATAATTCCACACCAAGAGAAAAAGGCCAGTGAGGAGCAGGAC[TG>T]GCATGGTGGCAGCAGGCATGGCTTCAGGCACGATGCTGGTGATGTTATAATGTATCGGGT-3'

ClinVar aggregate classification (germline): Likely pathogenic (1 of 4 stars; one submission).

Conditions:
Aromatase deficiency. Also called: PSEUDOHERMAPHRODITISM, FEMALE, DUE TO PLACENTAL AROMATASE DEFICIENCY; Increased aromatase activity. Identifiers: Orphanet 91, MedGen C1960539, MONDO:0013301, OMIM 613546.

Submission:

Natera, Inc.
Classification: Likely pathogenic for Aromatase deficiency. Last evaluated: 2026-01-15. Review status: criteria provided, single submitter. Criteria: Natera Variant Classification Schema (03/2026). Collection method: clinical testing. Allele origin: germline.
Comment: The c.80del variant in CYP19A1 is a frameshift variant predicted to shift the reading frame beginning at codon 27 and leads to a stop codon 80 codons downstream. This variant is expected to result in nonsense mediated decay, truncation, or a dysfunctional protein product. This variant is rare in the general population with a frequency below the threshold expected for the associated phenotype(s). Given the available evidence, this variant is classified as Likely Pathogenic.